The following is an entry in ClinVar:

NM_003327.4(TNFRSF4):c.338C>T (p.Thr113Ile)

Gene: TNFRSF4 (TNF receptor superfamily member 4; minus strand). Cytogenetic location: 1p36.33.
Variant type: single nucleotide variant.
Coding change: c.338C>T on transcript NM_003327.4 (MANE Select); coding-DNA position 338, C replaced by T.
Protein change: p.Thr113Ile; replaces threonine 113 with isoleucine.
Molecular consequence: missense variant.
Genome position (GRCh38, 1-based): chr1:1,213,024, G>A on the plus strand (C>T on the coding strand, the complement: TNFRSF4 is on the minus strand). VCF-style: chr1-1213024-G-A. GRCh37 (hg19) VCF-style: chr1-1148404-G-A.
Other names: c.338C>T, p.Thr113Ile (NM_001410709.1); short protein forms T113I.
Identifiers: ClinVar variation 3702266 (VCV003702266.2).
Genomic context (GRCh38, chr1:1,213,024, plus strand): 5'-AACCGCCGGCCGCAGCCACCGAGCTCACCAACTCCAGGCTTGTAGCTGTCCAGGGGCTGG[G>A]TGCCCGCCCGGCAGCGGCAGACTGTGTCCTGTGTGGCCGTGCACAGCTGCTTCCGCTCAC-3'
Protein context (NP_003318.1, residues 103-123): QDTVCRCRAG[Thr113Ile]QPLDSYKPGV

ClinVar aggregate classification (germline): Uncertain significance (1 of 4 stars; one submission).

Conditions:
Combined immunodeficiency due to OX40 deficiency. Also called: OX40 DEFICIENCY; Immunodeficiency 16. Identifiers: Orphanet 431149, MedGen C3810053, MONDO:0014268, OMIM 615593.

gnomAD v4.1: 2 of 1,611,594 alleles (0.00012%); highest among the groups gnomAD compares: African/African-American, 0.0027%; no homozygotes.

Submission:

Labcorp Genetics (formerly Invitae), Labcorp
Classification: Uncertain significance for Combined immunodeficiency due to OX40 deficiency. Last evaluated: 2024-08-31. Review status: criteria provided, single submitter. Criteria: Invitae Variant Classification Sherloc (09022015). Collection method: clinical testing. Allele origin: germline.
Comment: This sequence change replaces threonine, which is neutral and polar, with isoleucine, which is neutral and non-polar, at codon 113 of the TNFRSF4 protein (p.Thr113Ile). This variant is present in population databases (rs764954719, gnomAD 0.009%). This variant has not been reported in the literature in individuals affected with TNFRSF4-related conditions. Invitae Evidence Modeling of protein sequence and biophysical properties (such as structural, functional, and spatial information, amino acid conservation, physicochemical variation, residue mobility, and thermodynamic stability) indicates that this missense variant is expected to disrupt TNFRSF4 protein function with a positive predictive value of 80%. In summary, the available evidence is currently insufficient to determine the role of this variant in disease. Therefore, it has been classified as a Variant of Uncertain Significance.